The following is an entry in ClinVar:

ClinVar aggregate classification (germline): Uncertain significance (1 of 4 stars; one submission).

Conditions:
Gastrointestinal stromal tumor. Also called: Gastrointestinal stromal tumor, somatic; Gastrointestinal stroma tumor. Identifiers: Orphanet 44890, MedGen C0238198, MeSH D046152, MONDO:0011719, OMIM 606764, HP:0100723.

Allele frequency attached by ClinVar (database versions not stated): gnomAD exomes below 0.00001.
gnomAD v4.1: 1 of 1,614,146 alleles (0.000062%); highest among the groups gnomAD compares: Non-Finnish European, 0.000085%; no homozygotes.

Submission:

Labcorp Genetics (formerly Invitae), Labcorp
Classification: Uncertain significance for Gastrointestinal stromal tumor. Last evaluated: 2024-06-30. Review status: criteria provided, single submitter. Criteria: Invitae Variant Classification Sherloc (09022015). Collection method: clinical testing. Allele origin: germline.
Comment: This sequence change replaces asparagine, which is neutral and polar, with serine, which is neutral and polar, at codon 843 of the KIT protein (p.Asn843Ser). This variant is not present in population databases (gnomAD no frequency). This variant has not been reported in the literature in individuals affected with KIT-related conditions. ClinVar contains an entry for this variant (Variation ID: 575877). An algorithm developed to predict the effect of missense changes on protein structure and function (PolyPhen-2) suggests that this variant is likely to be tolerated. In summary, the available evidence is currently insufficient to determine the role of this variant in disease. Therefore, it has been classified as a Variant of Uncertain Significance.

NM_000222.3(KIT):c.2528A>G (p.Asn843Ser)

Gene: KIT (KIT proto-oncogene, receptor tyrosine kinase; plus strand). Cytogenetic location: 4q12.
Variant type: single nucleotide variant.
Coding change: c.2528A>G on transcript NM_000222.3 (MANE Select); coding-DNA position 2528, A replaced by G.
Protein change: p.Asn843Ser; replaces asparagine 843 with serine.
Molecular consequence: missense variant.
Genome position (GRCh38, 1-based): chr4:54,736,541, A>G. VCF-style: chr4-54736541-A-G. GRCh37 (hg19) VCF-style: chr4-55602707-A-G.
Other names: c.2516A>G, p.Asn839Ser (NM_001093772.2, NM_001385292.1); c.2531A>G, p.Asn844Ser (NM_001385284.1); c.2525A>G, p.Asn842Ser (NM_001385285.1); c.2513A>G, p.Asn838Ser (NM_001385286.1); c.2519A>G, p.Asn840Ser (NM_001385288.1); c.2528A>G, p.Asn843Ser (NM_001385290.1); short protein forms N843S, N839S, N838S, N840S, N842S, N844S.
Identifiers: ClinVar variation 575877 (VCV000575877.9), dbSNP rs1560424620, ClinGen allele CA356913107.